The following is an entry in ClinVar:

ClinVar aggregate classification (germline): Uncertain significance (1 of 4 stars; one submission).

Conditions:
Amyotrophic lateral sclerosis type 1 (ALS1). Also called: AMYOTROPHIC LATERAL SCLEROSIS 1, FAMILIAL. Identifiers: Orphanet 803, MedGen C1862939, MONDO:0007103, OMIM 105400.
Neuronopathy, distal hereditary motor, type 7B. Also called: HMN VIIB; LOWER MOTOR NEURON DISEASE, DYNACTIN TYPE; NEURONOPATHY, DISTAL HEREDITARY MOTOR, AUTOSOMAL DOMINANT 14; NEURONOPATHY, DISTAL HEREDITARY MOTOR, HARDING TYPE VIIB; NEUROPATHY, DISTAL HEREDITARY MOTOR, HARDING TYPE VIIB; NEUROPATHY, DISTAL HEREDITARY MOTOR, WITH VOCAL CORD PARALYSIS, HARDING TYPE VIIB. Identifiers: Orphanet 139589, MedGen C1843315, MONDO:0011879, OMIM 607641.
Perry syndrome. Also called: PARKINSONISM WITH ALVEOLAR HYPOVENTILATION AND MENTAL DEPRESSION. Identifiers: Orphanet 178509, MedGen C1868594, MONDO:0008201, OMIM 168605.

Submission:

Labcorp Genetics (formerly Invitae), Labcorp
Classification: Uncertain significance for Amyotrophic lateral sclerosis type 1; Neuronopathy, distal hereditary motor, type 7B; Perry syndrome. Last evaluated: 2023-06-19. Review status: criteria provided, single submitter. Criteria: Invitae Variant Classification Sherloc (09022015). Collection method: clinical testing. Allele origin: germline.
Comment: Algorithms developed to predict the effect of sequence changes on RNA splicing suggest that this variant may disrupt the consensus splice site. In summary, the available evidence is currently insufficient to determine the role of this variant in disease. Therefore, it has been classified as a Variant of Uncertain Significance. This variant has not been reported in the literature in individuals affected with DCTN1-related conditions. This variant is not present in population databases (gnomAD no frequency). This sequence change affects an acceptor splice site in intron 1 of the DCTN1 gene. It is expected to disrupt RNA splicing. Variants that disrupt the donor or acceptor splice site typically lead to a loss of protein function (PMID: 16199547), however the current clinical and genetic evidence is not sufficient to establish whether loss-of-function variants in DCTN1 cause disease.

Literature cited by the submitters: PubMed 16199547.

NM_004082.5(DCTN1):c.34-1G>C

Gene: DCTN1 (dynactin subunit 1; minus strand). Cytogenetic location: 2p13.1.
Variant type: single nucleotide variant.
Coding change: c.34-1G>C on transcript NM_004082.5 (MANE Select); the canonical splice acceptor site of the intron before coding-DNA position 34, G replaced by C.
Molecular consequence: splice acceptor variant.
Genome position (GRCh38, 1-based): chr2:74,378,246, C>G on the plus strand (G>C on the coding strand, the complement: DCTN1 is on the minus strand). VCF-style: chr2-74378246-C-G. GRCh37 (hg19) VCF-style: chr2-74605373-C-G.
Other names: c.-18-1G>C (NM_001190836.2, NM_001378992.1, NM_001378991.1); c.34-1G>C (NM_001135040.3, NM_001190837.2).
Identifiers: ClinVar variation 2949022 (VCV002949022.3), dbSNP rs2529217328, ClinGen allele CA347323407.